The following is an entry in ClinVar:

NM_000051.4(ATM):c.126T>G (p.His42Gln)

Gene: ATM (ATM serine/threonine kinase; plus strand). Cytogenetic location: 11q22.3.
Variant type: single nucleotide variant.
Coding change: c.126T>G on transcript NM_000051.4 (MANE Select); coding-DNA position 126, T replaced by G.
Protein change: p.His42Gln; replaces histidine 42 with glutamine.
Molecular consequence: missense variant.
Genome position (GRCh38, 1-based): chr11:108,227,829, T>G. VCF-style: chr11-108227829-T-G. GRCh37 (hg19) VCF-style: chr11-108098556-T-G.
Other names: c.126T>G, p.His42Gln (NM_001351834.2, NM_001351835.2, NM_001351836.2); short protein forms H42Q.
Identifiers: ClinVar variation 141329 (VCV000141329.3), dbSNP rs587781661, ClinGen allele CA165124.

ClinVar aggregate classification (germline): Uncertain significance (1 of 4 stars; one submission).

Conditions:
Hereditary cancer-predisposing syndrome. Also called: Neoplastic Syndromes, Hereditary; Tumor predisposition; Hereditary Cancer Syndrome; Hereditary neoplastic syndrome. Identifiers: Orphanet 140162, MedGen C0027672, MeSH D009386, MONDO:0015356.

Submission:

Ambry Genetics
Classification: Uncertain significance for Hereditary cancer-predisposing syndrome. Last evaluated: 2014-02-23. Review status: criteria provided, single submitter. Criteria: Ambry Autosomal Dominant and X-Linked criteria (10/2015). Collection method: clinical testing. Allele origin: germline. Observed: 1 variant allele.
Comment: The p.H42Q variant (also known as c.126T>G), located in coding exon 2 of the ATM gene, results from a T to G substitution at nucleotide position 126. The histidine at codon 42 is replaced by glutamine, an amino acid with highly similar properties. This variant was not reported in population based cohorts in the following databases: Database of Single Nucleotide Polymorphisms (dbSNP), NHLBI Exome Sequencing Project (ESP), and 1000 Genomes Project. To date, this alteration has been detected with an allele frequency of approximately 0.01% (greater than 9600 alleles tested) in our clinical cohort (includes this individual). This amino acid position is not well conserved in available vertebrate species. In addition, this alteration is predicted to be benign and tolerated by PolyPhen and SIFT in silico analyses, respectively. Since supporting evidence is limited at this time, the clinical significance of p.H42Q remains unclear.